The following is an entry in ClinVar:

ClinVar aggregate classification (germline): Pathogenic (1 of 4 stars; one submission).

Submission:

Labcorp Genetics (formerly Invitae), Labcorp
Classification: Pathogenic. Last evaluated: 2018-12-18. Review status: criteria provided, single submitter. Criteria: Invitae Variant Classification Sherloc (09022015). Collection method: clinical testing. Allele origin: germline.
Comment: A gross deletion of the genomic region encompassing the full coding sequence of the GRHPR gene has been identified. The boundaries of this event are unknown as the deletion extends beyond the assayed region for this gene and therefore may encompass additional genes. This variant has not been reported in the literature in individuals with GRHPR-related conditions. Loss-of-function variants in GRHPR are known to be pathogenic (PMID: 25644115). For these reasons, this variant has been classified as Pathogenic.

Literature cited by the submitters: PubMed 25644115.

NC_000009.12:g.(?_37422741)_(37785054_?)del

Genes: FBXO10 (F-box protein 10; minus strand), FRMPD1 (FERM and PDZ domain containing 1; plus strand), TOMM5 (translocase of outer mitochondrial membrane 5; minus strand), TRMT10B (tRNA methyltransferase 10B; plus strand), POLR1E (RNA polymerase I subunit E; plus strand) and 19 more. Cytogenetic location: 9p13.2.
Variant type: Deletion.
Identifiers: ClinVar variation 664453 (VCV000664453.6).